The following is an entry in ClinVar:

NM_001957.4(EDNRA):c.244A>C (p.Ile82Leu)

Gene: EDNRA (endothelin receptor type A; plus strand). Cytogenetic location: 4q31.22.
Variant type: single nucleotide variant.
Coding change: c.244A>C on transcript NM_001957.4 (MANE Select); coding-DNA position 244, A replaced by C.
Protein change: p.Ile82Leu; replaces isoleucine 82 with leucine.
Molecular consequence: missense variant. On other transcripts: non-coding transcript variant (1).
Genome position (GRCh38, 1-based): chr4:147,485,925, A>C. VCF-style: chr4-147485925-A-C. GRCh37 (hg19) VCF-style: chr4-148407077-A-C.
Other names: c.244A>C, p.Ile82Leu (NM_001166055.2, NM_001354797.2); short protein forms I82L.
Identifiers: ClinVar variation 1429637 (VCV001429637.9), dbSNP rs199733601, ClinGen allele CA358420806.

ClinVar aggregate classification (germline): Uncertain significance. Review status: criteria provided, multiple submitters, no conflicts (2 of 4 stars). 2 submissions from 2 submitters: Uncertain significance (2). Last evaluated 2025-09-20.

Conditions:
Mandibulofacial dysostosis with alopecia (MFDA). Identifiers: Orphanet 443995, MedGen C4225349, MONDO:0014608, OMIM 616367.

Submissions (2):

3billion
Classification: Uncertain significance for Mandibulofacial dysostosis with alopecia. Last evaluated: 2025-09-20. Review status: criteria provided, single submitter. Criteria: ACMG Guidelines, 2015. Collection method: clinical testing. Allele origin: germline. Affected: yes.
Comment: The variant is not observed in the gnomAD v4.1.0 dataset. Predicted Consequence/Location: Missense variant In silico tool predictions suggest no damaging effect of the variant on gene or gene product [REVEL: 0.23 (<0.4); 3Cnet: 0.01 (<0.1, specificity 0.84 and negative predicitive value 0.97)]. The variant has been reported as of uncertain significance (ClinVar ID: VCV001429637). Therefore, this variant is classified as VUS according to the recommendation of ACMG/AMP guideline.

Labcorp Genetics (formerly Invitae), Labcorp
Classification: Uncertain significance. Last evaluated: 2021-04-01. Review status: criteria provided, single submitter. Criteria: Invitae Variant Classification Sherloc (09022015). Collection method: clinical testing. Allele origin: germline.
Comment: In summary, the available evidence is currently insufficient to determine the role of this variant in disease. Therefore, it has been classified as a Variant of Uncertain Significance. Algorithms developed to predict the effect of missense changes on protein structure and function are either unavailable or do not agree on the potential impact of this missense change (SIFT: "Deleterious"; PolyPhen-2: "Benign"; Align-GVGD: "Class C0"). This variant has not been reported in the literature in individuals with EDNRA-related conditions. This variant is not present in population databases (ExAC no frequency). This sequence change replaces isoleucine with leucine at codon 82 of the EDNRA protein (p.Ile82Leu). The isoleucine residue is highly conserved and there is a small physicochemical difference between isoleucine and leucine.